The following is an entry in ClinVar:

NM_001353694.2(TIAM1):c.2298A>G (p.Pro766=)

Gene: TIAM1 (TIAM Rac1 associated GEF 1; minus strand). Cytogenetic location: 21q22.11.
Variant type: single nucleotide variant.
Coding change: c.2298A>G on transcript NM_001353694.2 (MANE Select); coding-DNA position 2298, A replaced by G.
Protein change: p.Pro766=; no amino-acid change (proline 766 retained).
Molecular consequence: synonymous variant.
Genome position (GRCh38, 1-based): chr21:31,210,135, T>C on the plus strand (A>G on the coding strand, the complement: TIAM1 is on the minus strand). VCF-style: chr21-31210135-T-C. GRCh37 (hg19) VCF-style: chr21-32582451-T-C.
Other names: c.2298A>G, p.Pro766= (NM_001353686.2, NM_001353688.1, NM_001353689.1 and 5 more transcripts); c.2223A>G, p.Pro741= (NM_001353687.2).
Identifiers: ClinVar variation 3040647 (VCV003040647.2), dbSNP rs535666474, ClinGen allele CA9998197.

ClinVar aggregate classification (germline): Likely benign (0 of 4 stars; one submission).

Conditions:
TIAM1-related disorder. Also called: TIAM1-related condition.

Allele frequency attached by ClinVar (database versions not stated): ExAC 0.00002; gnomAD 0.00004; gnomAD exomes 0.00005; TOPMed 0.00006.
gnomAD v4.1: 83 of 1,614,062 alleles (0.0051%); highest among the groups gnomAD compares: Non-Finnish European, 0.0068%; no homozygotes.

Submission:

PreventionGenetics, part of Exact Sciences
Classification: Likely benign for TIAM1-related condition. Last evaluated: 2019-10-28. Review status: no assertion criteria provided. Collection method: clinical testing. Allele origin: germline.
Comment: This variant is classified as likely benign based on ACMG/AMP sequence variant interpretation guidelines (Richards et al. 2015 PMID: 25741868, with internal and published modifications).